The following is an entry in ClinVar:

NM_001171.6(ABCC6):c.1215G>A (p.Ala405=)

Gene: ABCC6 (ATP binding cassette subfamily C member 6; minus strand). Cytogenetic location: 16p13.11.
Variant type: single nucleotide variant.
Coding change: c.1215G>A on transcript NM_001171.6 (MANE Select); coding-DNA position 1215, G replaced by A.
Protein change: p.Ala405=; no amino-acid change (alanine 405 retained).
Molecular consequence: synonymous variant. On other transcripts: non-coding transcript variant (1).
Genome position (GRCh38, 1-based): chr16:16,198,144, C>T on the plus strand (G>A on the coding strand, the complement: ABCC6 is on the minus strand). VCF-style: chr16-16198144-C-T. GRCh37 (hg19) VCF-style: chr16-16292001-C-T.
Other names: c.873G>A, p.Ala291= (NM_001351800.1); c.1215G>A (NM_001171.5).
Identifiers: ClinVar variation 2056032 (VCV002056032.6), dbSNP rs576483544, ClinGen allele CA7926406.

ClinVar aggregate classification (germline): Likely benign. Review status: criteria provided, multiple submitters, no conflicts (2 of 4 stars). 3 submissions from 3 submitters: Likely benign (3). Last evaluated 2025-11-03.

Conditions:
ABCC6-related disorder. Also called: ABCC6-related condition.

Allele frequency attached by ClinVar (database versions not stated): TOPMed 0.00003; gnomAD 0.00014; ExAC 0.00041; 1000 Genomes Project 0.00060; 1000 Genomes Project 30x 0.00094.
gnomAD v4.1: 190 of 1,609,674 alleles (0.012%); highest among the groups gnomAD compares: South Asian, 0.17%; 2 homozygotes.

Submissions (3):

Labcorp Genetics (formerly Invitae), Labcorp
Classification: Likely benign. Last evaluated: 2025-11-03. Review status: criteria provided, single submitter. Criteria: Invitae Variant Classification Sherloc (09022015). Collection method: clinical testing. Allele origin: germline.

PreventionGenetics, part of Exact Sciences
Classification: Likely benign for ABCC6-related condition. Last evaluated: 2025-03-19. Review status: criteria provided, single submitter. Criteria: ACMG Guidelines, 2015. Collection method: clinical testing. Allele origin: germline.
Comment: This variant is classified as likely benign based on ACMG/AMP sequence variant interpretation guidelines (Richards et al. 2015 PMID: 25741868, with internal and published modifications).

Blueprint Genetics
Classification: Likely benign. Last evaluated: 2024-11-19. Review status: criteria provided, single submitter. Criteria: ACMG Guidelines, 2015. Collection method: clinical testing. Allele origin: germline.